The following is an entry in ClinVar:

NM_014704.4(CEP104):c.2423G>A (p.Gly808Glu)

Gene: CEP104 (centrosomal protein 104; minus strand). Cytogenetic location: 1p36.32.
Variant type: single nucleotide variant.
Coding change: c.2423G>A on transcript NM_014704.4 (MANE Select); coding-DNA position 2423, G replaced by A.
Protein change: p.Gly808Glu; replaces glycine 808 with glutamic acid.
Molecular consequence: missense variant.
Genome position (GRCh38, 1-based): chr1:3,823,504, C>T on the plus strand (G>A on the coding strand, the complement: CEP104 is on the minus strand). VCF-style: chr1-3823504-C-T. GRCh37 (hg19) VCF-style: chr1-3740068-C-T.
Other names: short protein forms G808E.
Identifiers: ClinVar variation 862244 (VCV000862244.7), dbSNP rs148877817, ClinGen allele CA551297.

ClinVar aggregate classification (germline): Conflicting classifications of pathogenicity. Review status: criteria provided, conflicting classifications (1 of 4 stars). 3 submissions from 3 submitters: Uncertain significance (1); Likely benign (2). Last evaluated 2024-10-21.

Conditions:
Joubert syndrome 25 (JBTS25). Identifiers: Orphanet 475, MedGen C4084842, MONDO:0014770, OMIM 616781.
Intellectual developmental disorder, autosomal recessive 77 (MRT77). Identifiers: MedGen C5774193, MONDO:0031031, OMIM 619988.

Allele frequency attached by ClinVar (database versions not stated): gnomAD exomes 0.00008 and 0.00021; ExAC 0.00020; ESP Exome Variant Server 0.00031; gnomAD 0.00040; TOPMed 0.00049; 1000 Genomes Project 30x 0.00078; 1000 Genomes Project 0.00100.

Submissions (3):

Blueprint Genetics
Classification: Likely benign. Last evaluated: 2024-10-21. Review status: criteria provided, single submitter. Criteria: ACMG Guidelines, 2015. Collection method: clinical testing. Allele origin: germline.

3billion
Classification: Likely benign for Intellectual developmental disorder, autosomal recessive 77; Joubert syndrome 25. Last evaluated: 2024-09-20. Review status: criteria provided, single submitter. Criteria: ACMG Guidelines, 2015. Collection method: clinical testing. Allele origin: germline. Affected: no.
Comment: The homozygous variant was found in patients diagnosed with another variant in a different gene, with no symptoms related to the gene containing the homozygous variant.

Labcorp Genetics (formerly Invitae), Labcorp
Classification: Uncertain significance for Joubert syndrome 25. Last evaluated: 2023-09-17. Review status: criteria provided, single submitter. Criteria: Invitae Variant Classification Sherloc (09022015). Collection method: clinical testing. Allele origin: germline.
Comment: ClinVar contains an entry for this variant (Variation ID: 862244). In summary, the available evidence is currently insufficient to determine the role of this variant in disease. Therefore, it has been classified as a Variant of Uncertain Significance. Algorithms developed to predict the effect of missense changes on protein structure and function output the following: SIFT: "Not Available"; PolyPhen-2: "Benign"; Align-GVGD: "Not Available". The glutamic acid amino acid residue is found in multiple mammalian species, which suggests that this missense change does not adversely affect protein function. This variant has not been reported in the literature in individuals affected with CEP104-related conditions. This variant is present in population databases (rs148877817, gnomAD 0.1%). This sequence change replaces glycine, which is neutral and non-polar, with glutamic acid, which is acidic and polar, at codon 808 of the CEP104 protein (p.Gly808Glu).